The following is an entry in ClinVar:

NM_001904.4(CTNNB1):c.1081+2T>G

Gene: CTNNB1 (catenin beta 1; plus strand). Cytogenetic location: 3p22.1.
Variant type: single nucleotide variant.
Coding change: c.1081+2T>G on transcript NM_001904.4 (MANE Select); the canonical splice donor site of the intron after coding-DNA position 1081, T replaced by G.
Molecular consequence: splice donor variant.
Genome position (GRCh38, 1-based): chr3:41,227,354, T>G. VCF-style: chr3-41227354-T-G. GRCh37 (hg19) VCF-style: chr3-41268845-T-G.
Other names: c.1060+2T>G (NM_001330729.2); c.1081+2T>G (NM_001098209.2, NM_001098210.2).
Identifiers: ClinVar variation 2006062 (VCV002006062.4), dbSNP rs2125628404, ClinGen allele CA352231722.

ClinVar aggregate classification (germline): Likely pathogenic (1 of 4 stars; one submission).

Submission:

Labcorp Genetics (formerly Invitae), Labcorp
Classification: Likely pathogenic. Last evaluated: 2022-06-14. Review status: criteria provided, single submitter. Criteria: Invitae Variant Classification Sherloc (09022015). Collection method: clinical testing. Allele origin: germline.
Comment: In summary, the currently available evidence indicates that the variant is pathogenic, but additional data are needed to prove that conclusively. Therefore, this variant has been classified as Likely Pathogenic. Algorithms developed to predict the effect of sequence changes on RNA splicing suggest that this variant may disrupt the consensus splice site. This variant has not been reported in the literature in individuals affected with CTNNB1-related conditions. This variant is not present in population databases (gnomAD no frequency). This sequence change affects a donor splice site in intron 7 of the CTNNB1 gene. It is expected to disrupt RNA splicing. Variants that disrupt the donor or acceptor splice site typically lead to a loss of protein function (PMID: 16199547), and loss-of-function variants in CTNNB1 are known to be pathogenic (PMID: 23033978, 24614104, 25326669, 26350204, 28575650).

Literature cited by the submitters: PubMed 16199547; PubMed 23033978; PubMed 24614104; PubMed 25326669; PubMed 26350204; PubMed 28575650.